The following is an entry in ClinVar:

ClinVar aggregate classification (germline): Conflicting classifications of pathogenicity. Review status: criteria provided, conflicting classifications (1 of 4 stars). 3 submissions from 3 submitters: Uncertain significance (1); Likely benign (1). 1 of the submissions does not count toward it. Last evaluated 2023-12-18.

Conditions:
Actin accumulation myopathy (CMYO2A). Also called: CONGENITAL MYOPATHY 2A, TYPICAL, AUTOSOMAL DOMINANT; Nemaline myopathy type 3; Myopathy, actin, congenital, with excess of thin myofilaments; Myopathy, actin, congenital, with cores; Nemaline myopathy 3, with intranuclear rods. Identifiers: Orphanet 98904, MedGen C3711389, MONDO:0008070, OMIM 161800.
ACTA1-related disorder. Also called: ACTA1-related condition.

Allele frequency attached by ClinVar (database versions not stated): gnomAD 0.00001; ExAC 0.00002; ESP Exome Variant Server 0.00008; gnomAD exomes 0.00002; TOPMed 0.00002.
gnomAD v4.1: 35 of 1,614,018 alleles (0.0022%); highest among the groups gnomAD compares: Non-Finnish European, 0.0027%; no homozygotes.

Submissions (3):

Labcorp Genetics (formerly Invitae), Labcorp
Classification: Likely benign for Actin accumulation myopathy. Last evaluated: 2023-12-18. Review status: criteria provided, single submitter. Criteria: Invitae Variant Classification Sherloc (09022015). Collection method: clinical testing. Allele origin: germline.

Genetic Services Laboratory, University of Chicago
Classification: Uncertain significance. Last evaluated: 2014-10-15. Review status: criteria provided, single submitter. Criteria: ACMG Guidelines, 2015. Collection method: clinical testing. Allele origin: germline.

PreventionGenetics, part of Exact Sciences
Classification: Likely benign for ACTA1-related condition. Last evaluated: 2021-05-26. Review status: no assertion criteria provided. Collection method: clinical testing. Allele origin: germline. Not counted in ClinVar's aggregate classification.
Comment: This variant is classified as likely benign based on ACMG/AMP sequence variant interpretation guidelines (Richards et al. 2015 PMID: 25741868, with internal and published modifications).

NM_001100.4(ACTA1):c.246T>C (p.Asp82=)

Gene: ACTA1 (actin alpha 1, skeletal muscle; minus strand). Cytogenetic location: 1q42.13.
Variant type: single nucleotide variant.
Coding change: c.246T>C on transcript NM_001100.4 (MANE Select); coding-DNA position 246, T replaced by C.
Protein change: p.Asp82=; no amino-acid change (aspartic acid 82 retained).
Molecular consequence: synonymous variant.
Genome position (GRCh38, 1-based): chr1:229,432,764, A>G on the plus strand (T>C on the coding strand, the complement: ACTA1 is on the minus strand). VCF-style: chr1-229432764-A-G. GRCh37 (hg19) VCF-style: chr1-229568511-A-G.
Identifiers: ClinVar variation 210090 (VCV000210090.17), dbSNP rs373785144, ClinGen allele CA205739.